The following is an entry in ClinVar:

NM_002755.4(MAP2K1):c.980G>A (p.Ser327Asn)

Gene: MAP2K1 (mitogen-activated protein kinase kinase 1; plus strand). Cytogenetic location: 15q22.31.
Variant type: single nucleotide variant.
Coding change: c.980G>A on transcript NM_002755.4 (MANE Select); coding-DNA position 980, G replaced by A.
Protein change: p.Ser327Asn; replaces serine 327 with asparagine.
Molecular consequence: missense variant.
Genome position (GRCh38, 1-based): chr15:66,489,234, G>A. VCF-style: chr15-66489234-G-A. GRCh37 (hg19) VCF-style: chr15-66781572-G-A.
Other names: c.836G>A, p.Ser279Asn (NM_001411065.1); short protein forms S279N, S327N.
Identifiers: ClinVar variation 3628658 (VCV003628658.2).

ClinVar aggregate classification (germline): Uncertain significance (1 of 4 stars; one submission).

Conditions:
RASopathy. Also called: Noonan spectrum disorder; rasopathies. Identifiers: Orphanet 536391, MedGen C5555857, MONDO:0021060.

Submission:

Labcorp Genetics (formerly Invitae), Labcorp
Classification: Uncertain significance for RASopathy. Last evaluated: 2024-07-25. Review status: criteria provided, single submitter. Criteria: Invitae Variant Classification Sherloc (09022015). Collection method: clinical testing. Allele origin: germline.
Comment: This sequence change replaces serine, which is neutral and polar, with asparagine, which is neutral and polar, at codon 327 of the MAP2K1 protein (p.Ser327Asn). This variant is not present in population databases (gnomAD no frequency). This variant has not been reported in the literature in individuals affected with MAP2K1-related conditions. Advanced modeling of protein sequence and biophysical properties (such as structural, functional, and spatial information, amino acid conservation, physicochemical variation, residue mobility, and thermodynamic stability) performed at Invitae indicates that this missense variant is not expected to disrupt MAP2K1 protein function with a negative predictive value of 95%. In summary, the available evidence is currently insufficient to determine the role of this variant in disease. Therefore, it has been classified as a Variant of Uncertain Significance.